The following is an entry in ClinVar:

NM_005559.4(LAMA1):c.8595G>A (p.Thr2865=)

Gene: LAMA1 (laminin subunit alpha 1; minus strand). Cytogenetic location: 18p11.31.
Variant type: single nucleotide variant.
Coding change: c.8595G>A on transcript NM_005559.4 (MANE Select); coding-DNA position 8595, G replaced by A.
Protein change: p.Thr2865=; no amino-acid change (threonine 2865 retained).
Molecular consequence: synonymous variant.
Genome position (GRCh38, 1-based): chr18:6,948,518, C>T on the plus strand (G>A on the coding strand, the complement: LAMA1 is on the minus strand). VCF-style: chr18-6948518-C-T. GRCh37 (hg19) VCF-style: chr18-6948517-C-T.
Identifiers: ClinVar variation 3052035 (VCV003052035.3), dbSNP rs571905613, ClinGen allele CA8880417.

ClinVar aggregate classification (germline): Likely benign. Review status: criteria provided, single submitter (1 of 4 stars). 2 submissions from 2 submitters: Likely benign (1). 1 of the submissions does not count toward it. Last evaluated 2023-09-18.

Conditions:
LAMA1-related disorder. Also called: LAMA1-related disorders; LAMA1-related condition.

Allele frequency attached by ClinVar (database versions not stated): gnomAD 0.00003; 1000 Genomes Project 30x 0.00016; 1000 Genomes Project 0.00020.
gnomAD v4.1: 70 of 1,614,180 alleles (0.0043%); highest among the groups gnomAD compares: South Asian, 0.058%; no homozygotes.

Submissions (2):

Blueprint Genetics
Classification: Likely benign. Last evaluated: 2023-09-18. Review status: criteria provided, single submitter. Criteria: ACMG Guidelines, 2015. Collection method: clinical testing. Allele origin: germline.

PreventionGenetics, part of Exact Sciences
Classification: Likely benign for LAMA1-related condition. Last evaluated: 2020-01-21. Review status: no assertion criteria provided. Collection method: clinical testing. Allele origin: germline. Not counted in ClinVar's aggregate classification.
Comment: This variant is classified as likely benign based on ACMG/AMP sequence variant interpretation guidelines (Richards et al. 2015 PMID: 25741868, with internal and published modifications).